The following is an entry in ClinVar:

NM_005247.4(FGF3):c.311G>C (p.Arg104Pro)

Gene: FGF3 (fibroblast growth factor 3; minus strand). Cytogenetic location: 11q13.3.
Variant type: single nucleotide variant.
Coding change: c.311G>C on transcript NM_005247.4 (MANE Select); coding-DNA position 311, G replaced by C.
Protein change: p.Arg104Pro; replaces arginine 104 with proline.
Molecular consequence: missense variant.
Genome position (GRCh38, 1-based): chr11:69,816,333, C>G on the plus strand (G>C on the coding strand, the complement: FGF3 is on the minus strand). VCF-style: chr11-69816333-C-G. GRCh37 (hg19) VCF-style: chr11-69631101-C-G.
Other names: short protein forms R104P.
Identifiers: ClinVar variation 2429662 (VCV002429662.1), dbSNP rs150581924, ClinGen allele CA6157148.

ClinVar aggregate classification (germline): Uncertain significance (1 of 4 stars; one submission).

gnomAD v4.1: 1 of 1,613,522 alleles (0.000062%); highest among the groups gnomAD compares: African/African-American, 0.0013%; no homozygotes.

Submission:

GeneDx
Classification: Uncertain significance. Last evaluated: 2022-08-09. Review status: criteria provided, single submitter. Criteria: GeneDx Variant Classification Process June 2021. Collection method: clinical testing. Allele origin: germline. Affected: yes.
Comment: Not observed at significant frequency in large population cohorts (gnomAD); In silico analysis supports that this missense variant has a deleterious effect on protein structure/function; Has not been previously published as pathogenic or benign to our knowledge